The following is an entry in ClinVar:

NM_001364905.1(LRBA):c.2737G>A (p.Val913Ile)

Gene: LRBA (LPS responsive beige-like anchor protein; minus strand). Cytogenetic location: 4q31.3.
Variant type: single nucleotide variant.
Coding change: c.2737G>A on transcript NM_001364905.1 (MANE Select); coding-DNA position 2737, G replaced by A.
Protein change: p.Val913Ile; replaces valine 913 with isoleucine.
Molecular consequence: missense variant.
Genome position (GRCh38, 1-based): chr4:150,867,700, C>T on the plus strand (G>A on the coding strand, the complement: LRBA is on the minus strand). VCF-style: chr4-150867700-C-T. GRCh37 (hg19) VCF-style: chr4-151788852-C-T.
Other names: c.2737G>A, p.Val913Ile (NM_001199282.3, NM_001367550.1, NM_006726.5); short protein forms V913I.
Identifiers: ClinVar variation 2140653 (VCV002140653.4), dbSNP rs762545701, ClinGen allele CA3103163.

ClinVar aggregate classification (germline): Uncertain significance (1 of 4 stars; one submission).

Conditions:
Combined immunodeficiency due to LRBA deficiency. Also called: Common variable immunodeficiency 8, with autoimmunity. Identifiers: Orphanet 445018, MedGen C3553512, MONDO:0013863, OMIM 614700.

Allele frequency attached by ClinVar (database versions not stated): gnomAD exomes below 0.00001; ExAC 0.00001; gnomAD 0.00001; TOPMed 0.00001.
gnomAD v4.1: 5 of 1,612,946 alleles (0.00031%); highest among the groups gnomAD compares: Non-Finnish European, 0.00042%; no homozygotes.

Submission:

Labcorp Genetics (formerly Invitae), Labcorp
Classification: Uncertain significance for Combined immunodeficiency due to LRBA deficiency. Last evaluated: 2022-04-30. Review status: criteria provided, single submitter. Criteria: Invitae Variant Classification Sherloc (09022015). Collection method: clinical testing. Allele origin: germline.
Comment: In summary, the available evidence is currently insufficient to determine the role of this variant in disease. Therefore, it has been classified as a Variant of Uncertain Significance. Algorithms developed to predict the effect of missense changes on protein structure and function (SIFT, PolyPhen-2, Align-GVGD) all suggest that this variant is likely to be tolerated. This variant has not been reported in the literature in individuals affected with LRBA-related conditions. This variant is present in population databases (rs762545701, gnomAD 0.0009%). This sequence change replaces valine, which is neutral and non-polar, with isoleucine, which is neutral and non-polar, at codon 913 of the LRBA protein (p.Val913Ile).